The following is an entry in ClinVar:

NM_004186.5(SEMA3F):c.1914G>C (p.Leu638=)

Gene: SEMA3F (semaphorin 3F; plus strand). Cytogenetic location: 3p21.31.
Variant type: single nucleotide variant.
Coding change: c.1914G>C on transcript NM_004186.5 (MANE Select); coding-DNA position 1914, G replaced by C.
Protein change: p.Leu638=; no amino-acid change (leucine 638 retained).
Molecular consequence: synonymous variant.
Genome position (GRCh38, 1-based): chr3:50,186,713, G>C. VCF-style: chr3-50186713-G-C. GRCh37 (hg19) VCF-style: chr3-50224146-G-C.
Other names: c.1617G>C, p.Leu539= (NM_001318798.2); c.1821G>C, p.Leu607= (NM_001318800.2).
Identifiers: ClinVar variation 3030014 (VCV003030014.2), dbSNP rs527431828, ClinGen allele CA2412270.

ClinVar aggregate classification (germline): Likely benign (0 of 4 stars; one submission).

Conditions:
SEMA3F-related disorder. Also called: SEMA3F-related condition.

Allele frequency attached by ClinVar (database versions not stated): gnomAD 0.00001; TOPMed 0.00001; ExAC 0.00003; 1000 Genomes Project 30x 0.00016; 1000 Genomes Project 0.00020.
gnomAD v4.1: 15 of 1,607,894 alleles (0.00093%); highest among the groups gnomAD compares: Middle Eastern, 0.017%; no homozygotes.

Submission:

PreventionGenetics, part of Exact Sciences
Classification: Likely benign for SEMA3F-related condition. Last evaluated: 2023-01-25. Review status: no assertion criteria provided. Collection method: clinical testing. Allele origin: germline.
Comment: This variant is classified as likely benign based on ACMG/AMP sequence variant interpretation guidelines (Richards et al. 2015 PMID: 25741868, with internal and published modifications).